The following is an entry in ClinVar:

ClinVar aggregate classification (germline): Pathogenic (1 of 4 stars; one submission).

Submission:

GeneDx
Classification: Pathogenic. Last evaluated: 2024-07-22. Review status: criteria provided, single submitter. Criteria: GeneDx Variant Classification Process June 2021. Collection method: clinical testing. Allele origin: germline. Affected: yes.
Comment: Identified in the heterozygous state in patients with dystrophic epidermolysis bullosa referred for genetic testing at GeneDx and in published literature (PMID: 21448560); Located in the highly conserved Gly-X-Y repeat of the collagenous domain; Glycine substitution variants in this region of the COLVII protein destabilize the collagen triple helix resulting in skin fragility due to poor anchoring of the basement membrane to the underlying dermis (PMID: 20301481); Not observed at significant frequency in large population cohorts (gnomAD); In silico analysis supports that this missense variant has a deleterious effect on protein structure/function; This variant is associated with the following publications: (PMID: 25525159, 34046686, 20301481, 21448560)

NM_000094.4(COL7A1):c.5291G>A (p.Gly1764Asp)

Gene: COL7A1 (collagen type VII alpha 1 chain; minus strand). Cytogenetic location: 3p21.31.
Variant type: single nucleotide variant.
Coding change: c.5291G>A on transcript NM_000094.4 (MANE Select); coding-DNA position 5291, G replaced by A.
Protein change: p.Gly1764Asp; replaces glycine 1764 with aspartic acid.
Molecular consequence: missense variant.
Genome position (GRCh38, 1-based): chr3:48,579,385, C>T on the plus strand (G>A on the coding strand, the complement: COL7A1 is on the minus strand). VCF-style: chr3-48579385-C-T. GRCh37 (hg19) VCF-style: chr3-48616818-C-T.
Other names: short protein forms G1764D.
Identifiers: ClinVar variation 3600612 (VCV003600612.1).